The following is an entry in ClinVar:

ClinVar aggregate classification (germline): Uncertain significance (1 of 4 stars; one submission).

Conditions:
Inborn genetic diseases. Identifiers: MedGen C0950123, MeSH D030342.

Allele frequency attached by ClinVar (database versions not stated): gnomAD exomes below 0.00001.
gnomAD v4.1: 2 of 1,614,102 alleles (0.00012%); highest among the groups gnomAD compares: Non-Finnish European, 0.00017%; no homozygotes.

Submission:

Ambry Genetics
Classification: Uncertain significance for Inborn genetic diseases. Last evaluated: 2021-08-11. Review status: criteria provided, single submitter. Criteria: Ambry Variant Classification Scheme 2023. Collection method: clinical testing. Allele origin: germline.
Comment: The p.V274A variant (also known as c.821T>C), located in coding exon 7 of the BUB1B gene, results from a T to C substitution at nucleotide position 821. The valine at codon 274 is replaced by alanine, an amino acid with similar properties. This amino acid position is conserved. In addition, this alteration is predicted to be tolerated by in silico analysis. Since supporting evidence is limited at this time, the clinical significance of this alteration remains unclear.

NM_001211.6(BUB1B):c.821T>C (p.Val274Ala)

Gene: BUB1B (BUB1 mitotic checkpoint serine/threonine kinase B; plus strand). Cytogenetic location: 15q15.1.
Variant type: single nucleotide variant.
Coding change: c.821T>C on transcript NM_001211.6 (MANE Select); coding-DNA position 821, T replaced by C.
Protein change: p.Val274Ala; replaces valine 274 with alanine.
Molecular consequence: missense variant.
Genome position (GRCh38, 1-based): chr15:40,185,234, T>C. VCF-style: chr15-40185234-T-C. GRCh37 (hg19) VCF-style: chr15-40477435-T-C.
Other names: short protein forms V274A.
Identifiers: ClinVar variation 1762518 (VCV001762518.2), dbSNP rs199743655, ClinGen allele CA268783552.